The following is an entry in ClinVar:

NM_000059.4(BRCA2):c.5771_5774del (p.Ile1924fs)

Gene: BRCA2 (BRCA2 DNA repair associated; plus strand). Cytogenetic location: 13q13.1.
Variant type: Deletion.
Coding change: c.5771_5774del on transcript NM_000059.4 (MANE Select); coding-DNA positions 5771 to 5774, 4 bases deleted (TTCA; older notation c.5771_5774delTTCA).
Protein change: p.Ile1924fs; shifts the reading frame from isoleucine 1924.
Molecular consequence: frameshift variant.
Genome position (GRCh38, 1-based): chr13:32,340,126-32,340,129, TTCA deleted; deleting any 4 consecutive bases within chr13:32,340,124-32,340,129 gives the same sequence; the c. name uses the placement nearest the transcript's 3' end. VCF-style (leftmost placement, unchanged base first): chr13-32340123-ACATT-A. GRCh37 (hg19) VCF-style: chr13-32914260-ACATT-A.
Other names: 5999del4; NP_000050.3:p.Ile1924ArgfsTer38; c.5771_5774delTTCA (NM_000059.3).
Identifiers: ClinVar variation 51932 (VCV000051932.42), dbSNP rs80359535, ClinGen allele CA023197.

ClinVar aggregate classification (germline): Pathogenic. Review status: reviewed by expert panel (3 of 4 stars). 9 submissions from 9 submitters: Pathogenic (1). 8 of the submissions do not count toward it. Last evaluated 2016-09-08.

Conditions:
Hereditary breast ovarian cancer syndrome. Also called: Hereditary breast and ovarian cancer syndrome; Hereditary breast and ovarian cancer; Hereditary breast and ovarian cancer syndrome (HBOC); Breast and ovarian cancer; Hereditary breast and/or ovarian cancer syndrome; BRCA1- and BRCA2-Associated Hereditary Breast and Ovarian Cancer. Identifiers: Orphanet 145, MedGen C0677776, MeSH D061325, MONDO:0003582. Disease mechanism: loss of function.
Hereditary cancer-predisposing syndrome. Also called: Neoplastic Syndromes, Hereditary; Tumor predisposition; Hereditary neoplastic syndrome; Hereditary Cancer Syndrome. Identifiers: Orphanet 140162, MedGen C0027672, MeSH D009386, MONDO:0015356.
Familial cancer of breast. Also called: BREAST CANCER, FAMILIAL; Hereditary breast cancer; hereditary breast carcinoma. Identifiers: Orphanet 227535, MedGen C0346153, MONDO:0016419, OMIM 114480. Disease mechanism: loss of function.
Breast-ovarian cancer, familial, susceptibility to, 2 (BROVCA2). Also called: BRCA2 Hereditary Breast and Ovarian Cancer. Identifiers: Orphanet 145, MedGen C2675520, MONDO:0012933, OMIM 612555. Disease mechanism: loss of function.

Submissions (9):

Evidence-based Network for the Interpretation of Germline Mutant Alleles (ENIGMA)
Classification: Pathogenic for Breast-ovarian cancer, familial, susceptibility to, 2. Last evaluated: 2016-09-08. Review status: reviewed by expert panel. Criteria: ENIGMA BRCA1/2 Classification Criteria (2015). Collection method: curation. Allele origin: germline.
Comment: Variant allele predicted to encode a truncated non-functional protein.

Labcorp Genetics (formerly Invitae), Labcorp
Classification: Pathogenic for Hereditary breast ovarian cancer syndrome. Last evaluated: 2025-10-11. Review status: criteria provided, single submitter. Criteria: Invitae Variant Classification Sherloc (09022015). Collection method: clinical testing. Allele origin: germline. Not counted in ClinVar's aggregate classification.
Comment: This sequence change creates a premature translational stop signal (p.Ile1924Argfs*38) in the BRCA2 gene. It is expected to result in an absent or disrupted protein product. Loss-of-function variants in BRCA2 are known to be pathogenic (PMID: 20104584). This variant is not present in population databases (gnomAD no frequency). This premature translational stop signal has been observed in individual(s) with Fanconi anemia (PMID: 21204799, 28185119, 30287823). This variant is also known as 5999del4. ClinVar contains an entry for this variant (Variation ID: 51932). For these reasons, this variant has been classified as Pathogenic.

Women's Health and Genetics/Laboratory Corporation of America, LabCorp
Classification: Pathogenic for Hereditary breast ovarian cancer syndrome. Last evaluated: 2023-10-31. Review status: criteria provided, single submitter. Criteria: LabCorp Variant Classification Summary - May 2015. Collection method: clinical testing. Allele origin: germline. Not counted in ClinVar's aggregate classification.
Comment: Variant summary: BBRCA2 c.5771_5774delTTCA (p.Ile1924ArgfsX38) results in a premature termination codon, predicted to cause a truncation of the encoded protein or absence of the protein due to nonsense mediated decay, which are commonly known mechanisms for disease. Variants downstream of this position have been classified as pathogenic by our laboratory. The variant was absent in 250518 control chromosomes. c.5771_5774delTTCA has been reported in the literature in multiple individuals affected with Hereditary Breast And Ovarian Cancer Syndrome (Teixeira_2018). These data indicate that the variant is very likely to be associated with disease. To our knowledge, no experimental evidence demonstrating an impact on protein function has been reported. The following publication have been ascertained in the context of this evaluation (PMID: 29483665). Seven submitters have cited clinical-significance assessments for this variant to ClinVar after 2014. All submitters classified the variant as pathogenic. Based on the evidence outlined above, the variant was classified as pathogenic.

Ambry Genetics
Classification: Pathogenic for Hereditary cancer-predisposing syndrome. Last evaluated: 2023-03-22. Review status: criteria provided, single submitter. Criteria: Ambry Variant Classification Scheme 2023. Collection method: clinical testing. Allele origin: germline. Not counted in ClinVar's aggregate classification.
Comment: The c.5771_5774delTTCA pathogenic mutation, located in coding exon 10 of the BRCA2 gene, results from a deletion of 4 nucleotides at nucleotide positions 5771 to 5774, causing a translational frameshift with a predicted alternate stop codon (p.I1924Rfs*38). This alteration has been reported in multiple individuals with suspicion for hereditary breast and ovarian cancer syndrome and has been reported as a founder mutation from the Western Cape of South Africa (van der Merwe NC et al. Clin. Genet. 2012 Feb;81:179-84; Schoeman M et al. S. Afr. Med. J. 2013 Jun;103:529-33; Francies FZ et al. BMC Cancer 2015 Nov;15:912). In addition to the clinical data presented in the literature, this alteration is expected to result in loss of function by premature protein truncation or nonsense-mediated mRNA decay. This variant is considered to be rare based on population cohorts in the Genome Aggregation Database (gnomAD). As such, this alteration is interpreted as a disease-causing mutation.

Laboratorio de Genetica e Diagnostico Molecular, Hospital Israelita Albert Einstein
Classification: Pathogenic for Familial cancer of breast. Last evaluated: 2022-11-25. Review status: criteria provided, single submitter. Criteria: ACMG Guidelines, 2015. Collection method: clinical testing. Allele origin: germline. Affected: yes. Observed: 1 variant allele. Not counted in ClinVar's aggregate classification.
Comment: ACMG classification criteria: PVS1 very strong, PS4 strong, PM2 moderated

National Health Laboratory Service, Universitas Academic Hospital and University of the Free State
Classification: Pathogenic for Hereditary breast ovarian cancer syndrome. Last evaluated: 2022-04-19. Review status: criteria provided, single submitter. Criteria: ACMG Guidelines, 2015. Collection method: clinical testing. Allele origin: germline. Affected: yes. Observed: 11 variant alleles. Not counted in ClinVar's aggregate classification.

GeneDx
Classification: Pathogenic. Last evaluated: 2018-05-07. Review status: criteria provided, single submitter. Criteria: GeneDx Variant Classification (06012015). Collection method: clinical testing. Allele origin: germline. Affected: yes. Not counted in ClinVar's aggregate classification.
Comment: This deletion of four nucleotides in BRCA2 is denoted c.5771_5774delTTCA at the cDNA level and p.Ile1924ArgfsX38 (I1924RfsX38) at the protein level. Of note, using alternate nomenclature, this variant would be defined as BRCA2 5999del4 or 5999_6002delTTCA. The normal sequence, with the bases that are deleted in brackets, is GACA[delTTCA]GAGT. The deletion causes a frameshift which changes an Isoleucine to an Arginine at codon 1924, and creates a premature stop codon at position 38 of the new reading frame. This variant is predicted to cause loss of normal protein function through either protein truncation or nonsense-mediated mRNA decay. BRCA2 c.5771_5774delTTCA has been described as a founder pathogenic variant in South Africa and has been reported in the compound heterozygous state in at least two children with Fanconi Anemia (van der Merwe 2012, Francies 2015, Feben 2017). We consider this variant to be pathogenic.

Consortium of Investigators of Modifiers of BRCA1/2 (CIMBA), c/o University of Cambridge
Classification: Pathogenic for Breast-ovarian cancer, familial, susceptibility to, 2. Last evaluated: 2015-10-02. Review status: criteria provided, single submitter. Criteria: CIMBA Mutation Classification guidelines May 2016. Collection method: clinical testing. Allele origin: germline. Not counted in ClinVar's aggregate classification.

Breast Cancer Information Core (BIC) (BRCA2)
Classification: Pathogenic for Breast-ovarian cancer, familial 2. Review status: no assertion criteria provided. Collection method: clinical testing. Allele origin: germline, somatic. Affected: yes. Observed: 2 variant alleles. Not counted in ClinVar's aggregate classification.

Literature cited by the submitters: PubMed 20104584 (cited by Labcorp Genetics (formerly Invitae), Labcorp); PubMed 21204799 (cited by Labcorp Genetics (formerly Invitae), Labcorp and Ambry Genetics); PubMed 28185119 (cited by Labcorp Genetics (formerly Invitae), Labcorp); PubMed 30287823 (cited by Labcorp Genetics (formerly Invitae), Labcorp); PubMed 29483665 (cited by Women's Health and Genetics/Laboratory Corporation of America, LabCorp); PubMed 23885733 (cited by Ambry Genetics); PubMed 26577449 (cited by Ambry Genetics); DOI 10.3389/fgene.2022.834265 (cited by National Health Laboratory Service, Universitas Academic Hospital and University of the Free State).